The following is an entry in ClinVar:

NM_000377.3(WAS):c.1271dup (p.Leu425fs)

Gene: WAS (WASP actin nucleation promoting factor; plus strand). Cytogenetic location: Xp11.23.
Variant type: Duplication.
Coding change: c.1271dup on transcript NM_000377.3 (MANE Select); coding-DNA position 1271, one base duplicated (G; older notation c.1271dupG).
Protein change: p.Leu425fs; shifts the reading frame from leucine 425.
Molecular consequence: frameshift variant.
Genome position (GRCh38, 1-based): chrX:48,688,999, G duplicated; the last of 5 consecutive G bases (chrX:48,688,995-48,688,999); duplicating any one gives the same sequence. VCF-style (leftmost placement, unchanged base first): chrX-48688994-C-CG. GRCh37 (hg19) VCF-style: chrX-48547383-C-CG.
Other names: c.1271dupG (NM_000377.2); c.1266_1267insG (NM_000377.3); short protein forms L425fs.
Identifiers: ClinVar variation 495844 (VCV000495844.13), dbSNP rs1557007312, ClinGen allele CA658684302.

ClinVar aggregate classification (germline): Pathogenic. Review status: criteria provided, multiple submitters, no conflicts (2 of 4 stars). 3 submissions from 3 submitters: Pathogenic (3). Last evaluated 2025-11-03.

Conditions:
Wiskott-Aldrich syndrome (WAS). Also called: WISKOTT-ALDRICH SYNDROME 1; Wiskott-aldrich syndrome, somatic; ALDRICH SYNDROME; IMMUNODEFICIENCY 2. Identifiers: Orphanet 906, MedGen C0043194, MONDO:0010518, OMIM 301000.
Thrombocytopenia 1. Also called: THROMBOCYTOPENIA, X-LINKED, 1; X-Linked Thrombocytopenia (XLT); X-linked thrombocytopenia with normal platelets. Identifiers: Orphanet 268322, Orphanet 852, MedGen C1839163, MONDO:0010743, OMIM 313900.
X-linked severe congenital neutropenia (SCNX). Identifiers: Orphanet 86788, MedGen C1845987, MONDO:0010294, OMIM 300299.

Submissions (3):

Labcorp Genetics (formerly Invitae), Labcorp
Classification: Pathogenic for Wiskott-Aldrich syndrome; X-linked severe congenital neutropenia; Thrombocytopenia 1. Last evaluated: 2025-11-03. Review status: criteria provided, single submitter. Criteria: Invitae Variant Classification Sherloc (09022015). Collection method: clinical testing. Allele origin: germline.
Comment: This sequence change creates a premature translational stop signal (p.Leu425Profs*70) in the WAS gene. While this is not anticipated to result in nonsense mediated decay, it is expected to disrupt the last 78 amino acid(s) of the WAS protein. This variant is not present in population databases (gnomAD no frequency). This premature translational stop signal has been observed in individuals with Wiskott-Aldrich syndrome (PMID: 8528198, 11442475, 12727931, 24210885). This variant is also known as G insertion after G13O5, 1271insG, and 1305insG. ClinVar contains an entry for this variant (Variation ID: 495844). Algorithms developed to predict the effect of variants on gene product structure and function are not available or were not evaluated for this variant. Experimental studies have shown that this premature translational stop signal affects WAS function (PMID: 11442475, 12727931). For these reasons, this variant has been classified as Pathogenic.

Foundation for Research in Genetics and Endocrinology, FRIGE's Institute of Human Genetics
Classification: Pathogenic for Thrombocytopenia 1. Last evaluated: 2020-02-11. Review status: criteria provided, single submitter. Criteria: ACMG Guidelines, 2015. Collection method: clinical testing. Allele origin: germline. Inheritance: X-linked recessive inheritance. Affected: yes. Observed: 1 hemizygote.
Comment: A hemizygous single base pair deletion in exon 10 of the WAS gene that results in a frameshift and premature truncation of the protein 70 amino acids downstream to codon 425 was detected. The observed variant c.1266_1267insG (p.Leu425ProfsTer) has not been reported in the 1000 Genomes and ExAC databases. The in silico prediction of the variant is damaging by MutationTaster2. The observed variant has previously been reported in patients affected with thrombocytopenia (Kolluri et al 1995) and has been reported as pathogenic in ClinVar database. The reference codon is conserved across primates. In summary, the variant meets our criteria to be classified as pathogenic.

Women's Health and Genetics/Laboratory Corporation of America, LabCorp
Classification: Pathogenic for Wiskott-Aldrich syndrome. Last evaluated: 2017-08-10. Review status: criteria provided, single submitter. Criteria: LabCorp Variant Classification Summary - May 2015. Collection method: clinical testing. Allele origin: germline.
Comment: Variant summary: The WAS c.1271dupG (p.Leu425Profs) variant results in a premature termination codon, predicted to cause a truncated or absent WAS protein due to nonsense mediated decay, which are commonly known mechanisms for disease. Truncations downstream of this position have been classified as likely pathogenic by our laboratory (e.g. c.1352delC, p.Pro451fs). MutationTaster predicts a damaging outcome for this variant. Functional studies showed absent or very low WASP protein levels in PBMCs and T lymphocytes derived from Wiskott-Aldrich syndrome patients (Qasim_2001, Wada_2003). This variant was not found in the large control database ExAC in 30090 control chromosomes and was found in several male patients with Wiskott-Aldrich syndrome (Qasim_2001, Wada_2003, Kolluri_1995, Simon_2014). Taken together, this variant is classified as pathogenic.

Literature cited by the submitters: PubMed 8528198 (cited by Labcorp Genetics (formerly Invitae), Labcorp and Women's Health and Genetics/Laboratory Corporation of America, LabCorp); PubMed 11442475 (cited by Labcorp Genetics (formerly Invitae), Labcorp and Women's Health and Genetics/Laboratory Corporation of America, LabCorp); PubMed 12727931 (cited by Labcorp Genetics (formerly Invitae), Labcorp and Women's Health and Genetics/Laboratory Corporation of America, LabCorp); PubMed 24210885 (cited by Labcorp Genetics (formerly Invitae), Labcorp and Women's Health and Genetics/Laboratory Corporation of America, LabCorp); PubMed 14504083 (cited by Women's Health and Genetics/Laboratory Corporation of America, LabCorp).